The following is an entry in ClinVar:

NM_005585.5(SMAD6):c.901A>T (p.Thr301Ser)

Gene: SMAD6 (SMAD family member 6; plus strand). Cytogenetic location: 15q22.31.
Variant type: single nucleotide variant.
Coding change: c.901A>T on transcript NM_005585.5 (MANE Select); coding-DNA position 901, A replaced by T.
Protein change: p.Thr301Ser; replaces threonine 301 with serine.
Molecular consequence: missense variant. On other transcripts: non-coding transcript variant (1).
Genome position (GRCh38, 1-based): chr15:66,716,447, A>T. VCF-style: chr15-66716447-A-T. GRCh37 (hg19) VCF-style: chr15-67008785-A-T.
Other names: short protein forms T301S.
Identifiers: ClinVar variation 861141 (VCV000861141.10), dbSNP rs1470199537, ClinGen allele CA392951831.
Genomic context (GRCh38, chr15:66,716,447, plus strand): 5'-GCCAACTAAGTTCTCTTTTTCTTTCCTCCCACAGATCTGTCCGATTCCACATTGTCTTAC[A>T]CTGAAACGGAGGCTACCAACTCCCTCATCACTGCTCCGGGTGAATTCTCAGGTCAGCATT-3'
Protein context (NP_005576.3, residues 291-311): LDLSDSTLSY[Thr301Ser]ETEATNSLIT

ClinVar aggregate classification (germline): Uncertain significance (1 of 4 stars; one submission).

Conditions:
Aortic valve disease 2 (AOVD2). Identifiers: MedGen C3542024, MONDO:0013902, OMIM 614823.

Submission:

Labcorp Genetics (formerly Invitae), Labcorp
Classification: Uncertain significance for Aortic valve disease 2. Last evaluated: 2023-12-01. Review status: criteria provided, single submitter. Criteria: Invitae Variant Classification Sherloc (09022015). Collection method: clinical testing. Allele origin: germline.
Comment: This sequence change replaces threonine, which is neutral and polar, with serine, which is neutral and polar, at codon 301 of the SMAD6 protein (p.Thr301Ser). This variant is not present in population databases (gnomAD no frequency). This variant has not been reported in the literature in individuals affected with SMAD6-related conditions. ClinVar contains an entry for this variant (Variation ID: 861141). Advanced modeling of protein sequence and biophysical properties (such as structural, functional, and spatial information, amino acid conservation, physicochemical variation, residue mobility, and thermodynamic stability) performed at Invitae indicates that this missense variant is not expected to disrupt SMAD6 protein function with a negative predictive value of 80%. In summary, the available evidence is currently insufficient to determine the role of this variant in disease. Therefore, it has been classified as a Variant of Uncertain Significance.